The following is an entry in ClinVar:

ClinVar aggregate classification (germline): Likely benign. Review status: reviewed by expert panel (3 of 4 stars). 4 submissions from 4 submitters: Likely benign (1). 3 of the submissions do not count toward it. Last evaluated 2017-06-29.

Conditions:
Hereditary cancer-predisposing syndrome. Also called: Neoplastic Syndromes, Hereditary; Hereditary neoplastic syndrome; Hereditary Cancer Syndrome; Tumor predisposition. Identifiers: Orphanet 140162, MedGen C0027672, MeSH D009386, MONDO:0015356.
Breast-ovarian cancer, familial, susceptibility to, 1 (BROVCA1). Also called: BRCA1 Hereditary Breast and Ovarian Cancer; OVARIAN CANCER, SUSCEPTIBILITY TO. Identifiers: Orphanet 145, MedGen C2676676, MONDO:0011450, OMIM 604370. Disease mechanism: loss of function.
Hereditary breast ovarian cancer syndrome. Also called: Hereditary breast and ovarian cancer syndrome; Breast and ovarian cancer; Hereditary breast and ovarian cancer syndrome (HBOC); Hereditary breast and/or ovarian cancer syndrome; BRCA1- and BRCA2-Associated Hereditary Breast and Ovarian Cancer; Hereditary breast and ovarian cancer. Identifiers: Orphanet 145, MedGen C0677776, MeSH D061325, MONDO:0003582. Disease mechanism: loss of function.

Allele frequency attached by ClinVar (database versions not stated): gnomAD exomes below 0.00001 and 0.00001; ExAC 0.00002.

Submissions (4):

Evidence-based Network for the Interpretation of Germline Mutant Alleles (ENIGMA)
Classification: Likely benign for Breast-ovarian cancer, familial, susceptibility to, 1. Last evaluated: 2017-06-29. Review status: reviewed by expert panel. Criteria: ENIGMA BRCA1/2 Classification Criteria (2017-06-29). Collection method: curation. Allele origin: germline.
Comment: Synonymous substitution variant, with low bioinformatic likelihood to result in a splicing aberration (Splicing prior probability 0.02).

Color Diagnostics, LLC DBA Color Health
Classification: Likely benign for Hereditary cancer-predisposing syndrome. Last evaluated: 2025-07-25. Review status: criteria provided, single submitter. Criteria: ACMG Guidelines, 2015. Collection method: clinical testing. Allele origin: germline. Not counted in ClinVar's aggregate classification.

Labcorp Genetics (formerly Invitae), Labcorp
Classification: Likely benign for Hereditary breast ovarian cancer syndrome. Last evaluated: 2023-04-24. Review status: criteria provided, single submitter. Criteria: Invitae Variant Classification Sherloc (09022015). Collection method: clinical testing. Allele origin: germline. Not counted in ClinVar's aggregate classification.

Ambry Genetics
Classification: Likely benign for Hereditary cancer-predisposing syndrome. Last evaluated: 2017-07-18. Review status: criteria provided, single submitter. Criteria: Ambry Variant Classification Scheme 2023. Collection method: clinical testing. Allele origin: germline. Not counted in ClinVar's aggregate classification.

NM_007294.4(BRCA1):c.495G>A (p.Leu165=)

Gene: BRCA1 (BRCA1 DNA repair associated; minus strand). Cytogenetic location: 17q21.31.
Variant type: single nucleotide variant.
Coding change: c.495G>A on transcript NM_007294.4 (MANE Select); coding-DNA position 495, G replaced by A.
Protein change: p.Leu165=; no amino-acid change (leucine 165 retained).
Molecular consequence: synonymous variant. On other transcripts: intron variant (2).
Genome position (GRCh38, 1-based): chr17:43,099,827, C>T on the plus strand (G>A on the coding strand, the complement: BRCA1 is on the minus strand). VCF-style: chr17-43099827-C-T. GRCh37 (hg19) VCF-style: chr17-41251844-C-T.
Other names: c.495G>A, p.Leu165= (NM_001407623.1, NM_001407624.1, NM_001407625.1 and 97 more transcripts); c.492G>A, p.Leu164= (NM_001407627.1, NM_001407628.1, NM_001407629.1 and 65 more transcripts); c.486G>A, p.Leu162= (NM_001407646.1, NM_001407647.1, NM_001408408.1); c.417G>A, p.Leu139= (NM_001407653.1, NM_001407654.1, NM_001407655.1 and 12 more transcripts); c.414G>A, p.Leu138= (NM_001407659.1, NM_001407660.1, NM_001407661.1 and 6 more transcripts); c.354G>A, p.Leu118= (NM_001407692.1, NM_001407694.1, NM_001407695.1 and 61 more transcripts); c.351G>A, p.Leu117= (NM_001407740.1, NM_001407741.1, NM_001407742.1 and 35 more transcripts); c.282G>A, p.Leu94= (NM_001407571.1, NM_001407853.1, NM_001407894.1 and 18 more transcripts); and 5 more.
Identifiers: ClinVar variation 415587 (VCV000415587.18), dbSNP rs745321499, ClinGen allele CA056196.